The following is an entry in ClinVar:

NM_152564.5(VPS13B):c.11746-10_11746-3dup

Gene: VPS13B (vacuolar protein sorting 13 homolog B; plus strand). Cytogenetic location: 8q22.2.
Variant type: Duplication.
Coding change: c.11746-10_11746-3dup on transcript NM_152564.5 (MANE Select); 10 bases into the intron before coding-DNA position 11746 through 3 bases into the intron before coding-DNA position 11746, 8 bases duplicated (TGGATCCT; older notation c.11746-10_11746-3dupTGGATCCT).
Molecular consequence: intron variant.
Genome position (GRCh38, 1-based): chr8:99,875,408-99,875,415, TGGATCCT duplicated; duplicating any 8 consecutive bases within chr8:99,875,407-99,875,415 gives the same sequence; the c. name uses the placement nearest the transcript's 3' end. VCF-style (leftmost placement, unchanged base first): chr8-99875406-T-TTTGGATCC. GRCh37 (hg19) VCF-style: chr8-100887634-T-TTTGGATCC.
Other names: c.11821-10_11821-3dup (NM_017890.5); c.11746-10_11746-3dup8 (NM_152564.4).
Identifiers: ClinVar variation 2891940 (VCV002891940.2), dbSNP rs756943075, ClinGen allele CA4825333.

ClinVar aggregate classification (germline): Conflicting classifications of pathogenicity. Review status: criteria provided, conflicting classifications (1 of 4 stars). 2 submissions from 2 submitters: Uncertain significance (1); Likely benign (1). Last evaluated 2025-07-30.

Conditions:
VPS13B-related disorder. Also called: VPS13B-related condition.
Cohen syndrome (COH1). Also called: PEPPER SYNDROME; Cutis verticis gyrata, retinitis pigmentosa, and sensorineural deafness. Identifiers: Orphanet 193, MedGen C0265223, MONDO:0008999, OMIM 216550.

Submissions (2):

PreventionGenetics, part of Exact Sciences
Classification: Likely benign for VPS13B-related condition. Last evaluated: 2025-07-30. Review status: criteria provided, single submitter. Criteria: ACMG Guidelines, 2015. Collection method: clinical testing. Allele origin: germline.
Comment: This variant is classified as likely benign based on ACMG/AMP sequence variant interpretation guidelines (Richards et al. 2015 PMID: 25741868, with internal and published modifications).

Labcorp Genetics (formerly Invitae), Labcorp
Classification: Uncertain significance for Cohen syndrome. Last evaluated: 2024-01-10. Review status: criteria provided, single submitter. Criteria: Invitae Variant Classification Sherloc (09022015). Collection method: clinical testing. Allele origin: germline.
Comment: This sequence change falls in intron 61 of the VPS13B gene. It does not directly change the encoded amino acid sequence of the VPS13B protein. This variant is present in population databases (rs756943075, gnomAD 0.02%). This variant has not been reported in the literature in individuals affected with VPS13B-related conditions. Algorithms developed to predict the effect of sequence changes on RNA splicing suggest that this variant may disrupt the consensus splice site. In summary, the available evidence is currently insufficient to determine the role of this variant in disease. Therefore, it has been classified as a Variant of Uncertain Significance.